The following is an entry in ClinVar:

NM_001184.4(ATR):c.5869G>A (p.Val1957Met)

Gene: ATR (ATR checkpoint kinase; minus strand). Cytogenetic location: 3q23.
Variant type: single nucleotide variant.
Coding change: c.5869G>A on transcript NM_001184.4 (MANE Select); coding-DNA position 5869, G replaced by A.
Protein change: p.Val1957Met; replaces valine 1957 with methionine.
Molecular consequence: missense variant.
Genome position (GRCh38, 1-based): chr3:142,496,390, C>T on the plus strand (G>A on the coding strand, the complement: ATR is on the minus strand). VCF-style: chr3-142496390-C-T. GRCh37 (hg19) VCF-style: chr3-142215232-C-T.
Other names: c.5677G>A, p.Val1893Met (NM_001354579.2); short protein forms V1893M, V1957M.
Identifiers: ClinVar variation 859656 (VCV000859656.12), dbSNP rs753319463, ClinGen allele CA2649518.
Genomic context (GRCh38, chr3:142,496,390, plus strand): 5'-ATATATATGATGACATTTCCCTGGCCATTACCTTGGACCAGAGCCACTTTGCCCTTTCCA[C>T]GTACAGTTCAGCGAGTCGTGATTCCCCTGCATTAAGGAGAGCATTGTAGGCTGTCTGGTG-3'
Protein context (NP_001175.2, residues 1947-1967): AGESRLAELY[Val1957Met]ERAKWLWSKG

ClinVar aggregate classification (germline): Uncertain significance. Review status: criteria provided, multiple submitters, no conflicts (2 of 4 stars). 4 submissions from 3 submitters: Uncertain significance (4). Last evaluated 2024-07-08.

Conditions:
Familial cutaneous telangiectasia and oropharyngeal predisposition cancer syndrome. Identifiers: Orphanet 313846, MedGen C3281203, MONDO:0013806, OMIM 614564.
Seckel syndrome 1 (SCKL1). Also called: MICROCEPHALIC PRIMORDIAL DWARFISM I. Identifiers: Orphanet 808, MedGen C4551474, MONDO:0008869, OMIM 210600.
Inborn genetic diseases. Identifiers: MedGen C0950123, MeSH D030342.

Allele frequency attached by ClinVar (database versions not stated): gnomAD exomes 0.00005 and 0.00003; ExAC 0.00007; gnomAD 0.00001.
gnomAD v4.1: 49 of 1,586,330 alleles (0.0031%); highest among the groups gnomAD compares: South Asian, 0.028%; 2 homozygotes.

Submissions (4):

Labcorp Genetics (formerly Invitae), Labcorp
Classification: Uncertain significance. Last evaluated: 2024-07-08. Review status: criteria provided, single submitter. Criteria: Invitae Variant Classification Sherloc (09022015). Collection method: clinical testing. Allele origin: germline.
Comment: This sequence change replaces valine, which is neutral and non-polar, with methionine, which is neutral and non-polar, at codon 1957 of the ATR protein (p.Val1957Met). This variant is present in population databases (rs753319463, gnomAD 0.03%). This variant has not been reported in the literature in individuals affected with ATR-related conditions. ClinVar contains an entry for this variant (Variation ID: 859656). An algorithm developed to predict the effect of missense changes on protein structure and function (PolyPhen-2) suggests that this variant is likely to be disruptive. In summary, the available evidence is currently insufficient to determine the role of this variant in disease. Therefore, it has been classified as a Variant of Uncertain Significance.

Genome-Nilou Lab
Classification: Uncertain significance for Seckel syndrome 1. Last evaluated: 2023-02-08. Review status: criteria provided, single submitter. Criteria: ACMG Guidelines, 2015. Collection method: clinical testing. Allele origin: germline.

Genome-Nilou Lab
Classification: Uncertain significance for Familial cutaneous telangiectasia and oropharyngeal predisposition cancer syndrome. Last evaluated: 2023-02-08. Review status: criteria provided, single submitter. Criteria: ACMG Guidelines, 2015. Collection method: clinical testing. Allele origin: germline.

Ambry Genetics
Classification: Uncertain significance for Inborn genetic diseases. Last evaluated: 2021-07-25. Review status: criteria provided, single submitter. Criteria: Ambry Variant Classification Scheme 2023. Collection method: clinical testing. Allele origin: germline.
Comment: The p.V1957M variant (also known as c.5869G>A), located in coding exon 34 of the ATR gene, results from a G to A substitution at nucleotide position 5869. The valine at codon 1957 is replaced by methionine, an amino acid with highly similar properties. This amino acid position is conserved. In addition, this alteration is predicted to be tolerated by in silico analysis. Since supporting evidence is limited at this time, the clinical significance of this alteration remains unclear.